The following is an entry in ClinVar:

NM_019844.4(SLCO1B3):c.489A>T (p.Val163=)

Genes: SLCO1B3 (solute carrier organic anion transporter family member 1B3; plus strand), SLCO1B3-SLCO1B7 (SLCO1B3-SLCO1B7 readthrough; plus strand). Cytogenetic location: 12p12.2.
Variant type: single nucleotide variant.
Coding change: c.489A>T on transcript NM_019844.4 (MANE Select); coding-DNA position 489, A replaced by T.
Protein change: p.Val163=; no amino-acid change (valine 163 retained).
Molecular consequence: synonymous variant.
Genome position (GRCh38, 1-based): chr12:20,862,419, A>T. VCF-style: chr12-20862419-A-T. GRCh37 (hg19) VCF-style: chr12-21015353-A-T.
Other names: c.489A>T, p.Val163= (NM_001371097.1); c.405A>T, p.Val135= (NM_001349920.2).
Identifiers: ClinVar variation 3032033 (VCV003032033.2), dbSNP rs1425682264, ClinGen allele CA478854891.

ClinVar aggregate classification (germline): Likely benign (0 of 4 stars; one submission).

Conditions:
SLCO1B3-related disorder. Also called: SLCO1B3-related condition.

Allele frequency attached by ClinVar (database versions not stated): TOPMed below 0.00001.

Submission:

PreventionGenetics, part of Exact Sciences
Classification: Likely benign for SLCO1B3-related condition. Last evaluated: 2021-09-24. Review status: no assertion criteria provided. Collection method: clinical testing. Allele origin: germline.
Comment: This variant is classified as likely benign based on ACMG/AMP sequence variant interpretation guidelines (Richards et al. 2015 PMID: 25741868, with internal and published modifications).